The following is an entry in ClinVar:

NM_133625.6(SYN2):c.1698A>G (p.Ala566=)

Gene: SYN2 (synapsin II; plus strand). Cytogenetic location: 3p25.2.
Variant type: single nucleotide variant.
Coding change: c.1698A>G on transcript NM_133625.6 (MANE Select); coding-DNA position 1698, A replaced by G.
Protein change: p.Ala566=; no amino-acid change (alanine 566 retained).
Molecular consequence: synonymous variant.
Genome position (GRCh38, 1-based): chr3:12,190,574, A>G. VCF-style: chr3-12190574-A-G. GRCh37 (hg19) VCF-style: chr3-12232074-A-G.
Identifiers: ClinVar variation 3059730 (VCV003059730.2), dbSNP rs310764, ClinGen allele CA2257987.

ClinVar aggregate classification (germline): Benign (0 of 4 stars; one submission).

Conditions:
SYN2-related disorder. Also called: SYN2-related condition.

Allele frequency attached by ClinVar (database versions not stated): gnomAD exomes 0.91107; ESP Exome Variant Server 0.92526; ExAC 0.93278; gnomAD 0.93551; TOPMed 0.93874; 1000 Genomes Project 30x 0.95956; 1000 Genomes Project 0.96106.
gnomAD v4.1: 1,474,462 of 1,613,242 alleles (91%); highest among the groups gnomAD compares: East Asian, 100%; 674,526 homozygotes.

Submission:

PreventionGenetics, part of Exact Sciences
Classification: Benign for SYN2-related condition. Last evaluated: 2019-02-26. Review status: no assertion criteria provided. Collection method: clinical testing. Allele origin: germline.
Comment: This variant is classified as benign based on ACMG/AMP sequence variant interpretation guidelines (Richards et al. 2015 PMID: 25741868, with internal and published modifications).